The following is an entry in ClinVar:

NM_000528.4(MAN2B1):c.602C>G (p.Ser201Cys)

Gene: MAN2B1 (mannosidase alpha class 2B member 1; minus strand). Cytogenetic location: 19p13.13.
Variant type: single nucleotide variant.
Coding change: c.602C>G on transcript NM_000528.4 (MANE Select); coding-DNA position 602, C replaced by G.
Protein change: p.Ser201Cys; replaces serine 201 with cysteine.
Molecular consequence: missense variant.
Genome position (GRCh38, 1-based): chr19:12,664,820, G>C on the plus strand (C>G on the coding strand, the complement: MAN2B1 is on the minus strand). VCF-style: chr19-12664820-G-C. GRCh37 (hg19) VCF-style: chr19-12775634-G-C.
Other names: c.602C>G (NM_000528.3); c.602C>G, p.Ser201Cys (NM_001173498.2); short protein forms S201C.
Identifiers: ClinVar variation 1481065 (VCV001481065.5), dbSNP rs776241681, ClinGen allele CA9226772.

ClinVar aggregate classification (germline): Uncertain significance. Review status: criteria provided, multiple submitters, no conflicts (2 of 4 stars). 2 submissions from 2 submitters: Uncertain significance (2). Last evaluated 2025-08-21.

Conditions:
Deficiency of alpha-mannosidase (MANSA). Also called: Alpha-Mannosidosis; LYSOSOMAL ALPHA-D-MANNOSIDASE DEFICIENCY; Mannosidosis, alpha-, types I and II. Identifiers: Orphanet 61, MedGen C0024748, MONDO:0009561, OMIM 248500.
Inborn genetic diseases. Identifiers: MedGen C0950123, MeSH D030342.

Allele frequency attached by ClinVar (database versions not stated): TOPMed below 0.00001; ExAC 0.00001; gnomAD 0.00001; gnomAD exomes 0.00001 and 0.00002.
gnomAD v4.1: 33 of 1,613,580 alleles (0.002%); highest among the groups gnomAD compares: African/African-American, 0.0027%; no homozygotes.

Submissions (2):

Labcorp Genetics (formerly Invitae), Labcorp
Classification: Uncertain significance for Deficiency of alpha-mannosidase. Last evaluated: 2025-08-21. Review status: criteria provided, single submitter. Criteria: Invitae Variant Classification Sherloc (09022015). Collection method: clinical testing. Allele origin: germline.
Comment: This sequence change replaces serine, which is neutral and polar, with cysteine, which is neutral and slightly polar, at codon 201 of the MAN2B1 protein (p.Ser201Cys). This variant is present in population databases (rs776241681, gnomAD 0.002%). This variant has not been reported in the literature in individuals affected with MAN2B1-related conditions. ClinVar contains an entry for this variant (Variation ID: 1481065). Invitae Evidence Modeling of protein sequence and biophysical properties (such as structural, functional, and spatial information, amino acid conservation, physicochemical variation, residue mobility, and thermodynamic stability) has been performed for this missense variant. However, the output from this modeling did not meet the statistical confidence thresholds required to predict the impact of this variant on MAN2B1 protein function. In summary, the available evidence is currently insufficient to determine the role of this variant in disease. Therefore, it has been classified as a Variant of Uncertain Significance.

Ambry Genetics
Classification: Uncertain significance for Inborn genetic diseases. Last evaluated: 2024-12-20. Review status: criteria provided, single submitter. Criteria: Ambry Variant Classification Scheme 2023. Collection method: clinical testing. Allele origin: germline.